The following is an entry in ClinVar:

NM_000836.4(GRIN2D):c.1581+6G>C

Gene: GRIN2D (glutamate ionotropic receptor NMDA type subunit 2D; plus strand). Cytogenetic location: 19q13.33.
Variant type: single nucleotide variant.
Coding change: c.1581+6G>C on transcript NM_000836.4 (MANE Select); 6 bases into the intron after coding-DNA position 1581, G replaced by C.
Molecular consequence: intron variant.
Genome position (GRCh38, 1-based): chr19:48,415,038, G>C. VCF-style: chr19-48415038-G-C. GRCh37 (hg19) VCF-style: chr19-48918295-G-C.
Identifiers: ClinVar variation 1397942 (VCV001397942.6), dbSNP rs575224079, ClinGen allele CA9550538.

ClinVar aggregate classification (germline): Uncertain significance (1 of 4 stars; one submission).

gnomAD v4.1: 68 of 1,571,544 alleles (0.0043%); highest among the groups gnomAD compares: Non-Finnish European, 0.0057%; no homozygotes.

Submission:

Labcorp Genetics (formerly Invitae), Labcorp
Classification: Uncertain significance. Last evaluated: 2025-01-13. Review status: criteria provided, single submitter. Criteria: Invitae Variant Classification Sherloc (09022015). Collection method: clinical testing. Allele origin: germline.
Comment: This sequence change falls in intron 6 of the GRIN2D gene. It does not directly change the encoded amino acid sequence of the GRIN2D protein. It affects a nucleotide within the consensus splice site. This variant is present in population databases (rs575224079, gnomAD 0.004%). This variant has not been reported in the literature in individuals affected with GRIN2D-related conditions. ClinVar contains an entry for this variant (Variation ID: 1397942). Variants that disrupt the consensus splice site are a relatively common cause of aberrant splicing (PMID: 17576681, 9536098). Algorithms developed to predict the effect of sequence changes on RNA splicing suggest that this variant is not likely to affect RNA splicing. In summary, the available evidence is currently insufficient to determine the role of this variant in disease. Therefore, it has been classified as a Variant of Uncertain Significance.

Literature cited by the submitters: PubMed 17576681; PubMed 9536098.